The following is an entry in ClinVar:

NM_006944.3(SPP2):c.387C>T (p.Gly129=)

Gene: SPP2 (secreted phosphoprotein 2; plus strand). Cytogenetic location: 2q37.1.
Variant type: single nucleotide variant.
Coding change: c.387C>T on transcript NM_006944.3 (MANE Select); coding-DNA position 387, C replaced by T.
Protein change: p.Gly129=; no amino-acid change (glycine 129 retained).
Molecular consequence: synonymous variant.
Genome position (GRCh38, 1-based): chr2:234,060,422, C>T. VCF-style: chr2-234060422-C-T. GRCh37 (hg19) VCF-style: chr2-234969066-C-T.
Identifiers: ClinVar variation 1166279 (VCV001166279.37), dbSNP rs150700652, ClinGen allele CA2183178.
Genomic context (GRCh38, chr2:234,060,422, plus strand): 5'-TTTCCAGTCCACAGCTGTTTGCAGAAGCACCGTGAAGGTATCTGCCCAGCAGGTGCAGGG[C>T]GTGCATGCTCGCTGCAGCTGGTCCTCCTCCACGTCTGAGTCTTACAGCAGCGAAGAGGTA-3'
Protein context (NP_008875.1, residues 119-139): TVKVSAQQVQ[Gly129=]VHARCSWSSS

ClinVar aggregate classification (germline): Benign/Likely benign. Review status: criteria provided, multiple submitters, no conflicts (2 of 4 stars). 5 submissions from 5 submitters: Benign (1); Likely benign (2). 2 of the submissions do not count toward it. Last evaluated 2026-01-05.

Allele frequency attached by ClinVar (database versions not stated): gnomAD 0.00159; ESP Exome Variant Server 0.00277; 1000 Genomes Project 0.00120; 1000 Genomes Project 30x 0.00141; TOPMed 0.00148.
gnomAD v4.1: 4,092 of 1,613,646 alleles (0.25%); highest among the groups gnomAD compares: Non-Finnish European, 0.32%; 9 homozygotes.

Submissions (7):

Labcorp Genetics (formerly Invitae), Labcorp
Classification: Benign. Last evaluated: 2026-01-05. Review status: criteria provided, single submitter. Criteria: Invitae Variant Classification Sherloc (09022015). Collection method: clinical testing. Allele origin: germline.

Blueprint Genetics
Classification: Likely benign. Last evaluated: 2024-11-22. Review status: criteria provided, single submitter. Criteria: ACMG Guidelines, 2015. Collection method: clinical testing. Allele origin: germline.

CeGaT Center for Human Genetics Tuebingen
Classification: Likely benign. Last evaluated: 2022-07-01. Review status: criteria provided, single submitter. Criteria: CeGaT Center For Human Genetics Tuebingen Variant Classification Criteria Version 2. Collection method: clinical testing. Allele origin: germline. Affected: yes. Observed: 1 variant allele.
Comment: SPP2: BP4, BP7

Clinical Genetics DNA and cytogenetics Diagnostics Lab, Erasmus MC, Erasmus Medical Center
Classification: Likely benign. Review status: no assertion criteria provided. Collection method: clinical testing. Allele origin: germline. Affected: yes. Study: VKGL Data-share Consensus. Not counted in ClinVar's aggregate classification.

Clinical Genetics, Academic Medical Center
Classification: Benign. Review status: no assertion criteria provided. Collection method: clinical testing. Allele origin: germline. Affected: yes. Study: VKGL Data-share Consensus. Not counted in ClinVar's aggregate classification.

Dr. Peter K. Rogan Lab, Western University
No classification provided (evidence only). Condition: Clear cell carcinoma of kidney. Review status: no classification provided. Collection method: in vitro. Allele origin: not applicable. Functional consequence: retained intron. Not counted in ClinVar's aggregate classification.

Dr. Peter K. Rogan Lab, Western University
No classification provided (evidence only). Condition: Thymoma. Review status: no classification provided. Collection method: in vitro. Allele origin: not applicable. Functional consequence: retained intron. Not counted in ClinVar's aggregate classification.